The following is an entry in ClinVar:

ClinVar aggregate classification (germline): Uncertain significance (1 of 4 stars; one submission).

Allele frequency attached by ClinVar (database versions not stated): gnomAD exomes 0.00001.
gnomAD v4.1: 7 of 1,550,892 alleles (0.00045%); highest among the groups gnomAD compares: Non-Finnish European, 0.00062%; no homozygotes.

Submission:

Labcorp Genetics (formerly Invitae), Labcorp
Classification: Uncertain significance. Last evaluated: 2021-06-08. Review status: criteria provided, single submitter. Criteria: Invitae Variant Classification Sherloc (09022015). Collection method: clinical testing. Allele origin: germline.
Comment: In summary, the available evidence is currently insufficient to determine the role of this variant in disease. Therefore, it has been classified as a Variant of Uncertain Significance. Algorithms developed to predict the effect of missense changes on protein structure and function output the following: SIFT: "Tolerated"; PolyPhen-2: "Benign"; Align-GVGD: "Class C0". The serine amino acid residue is found in multiple mammalian species, suggesting that this missense change does not adversely affect protein function. These predictions have not been confirmed by published functional studies and their clinical significance is uncertain. This variant has not been reported in the literature in individuals with VPS13C-related conditions. This variant is not present in population databases (ExAC no frequency). This sequence change replaces asparagine with serine at codon 280 of the VPS13C protein (p.Asn280Ser). The asparagine residue is weakly conserved and there is a small physicochemical difference between asparagine and serine.

NM_020821.3(VPS13C):c.839A>G (p.Asn280Ser)

Gene: VPS13C (vacuolar protein sorting 13 homolog C; minus strand). Cytogenetic location: 15q22.2.
Variant type: single nucleotide variant.
Coding change: c.839A>G on transcript NM_020821.3 (MANE Select); coding-DNA position 839, A replaced by G.
Protein change: p.Asn280Ser; replaces asparagine 280 with serine.
Molecular consequence: missense variant.
Genome position (GRCh38, 1-based): chr15:62,012,151, T>C on the plus strand (A>G on the coding strand, the complement: VPS13C is on the minus strand). VCF-style: chr15-62012151-T-C. GRCh37 (hg19) VCF-style: chr15-62304350-T-C.
Other names: c.839A>G, p.Asn280Ser (NM_001018088.3); c.710A>G, p.Asn237Ser (NM_017684.5, NM_018080.4); short protein forms N237S, N280S.
Identifiers: ClinVar variation 1382000 (VCV001382000.8), dbSNP rs2140512917, ClinGen allele CA392689367.